The following is an entry in ClinVar:

ClinVar aggregate classification (germline): Uncertain significance. Review status: criteria provided, multiple submitters, no conflicts (2 of 4 stars). 2 submissions from 2 submitters: Uncertain significance (2). Last evaluated 2026-09-13.

Conditions:
Brugada syndrome 8 (BRGDA8). Identifiers: Orphanet 130, MedGen C2751083, MONDO:0013148, OMIM 613123.
Cardiovascular phenotype. Identifiers: MedGen CN230736.

Submissions (2):

Ambry Genetics
Classification: Uncertain significance for Cardiovascular phenotype. Last evaluated: 2026-09-13. Review status: criteria provided, single submitter. Criteria: Ambry Variant Classification Scheme 2023. Collection method: clinical testing. Allele origin: germline.
Comment: The p.S125F variant (also known as c.374C>T), located in coding exon 1 of the HCN4 gene, results from a C to T substitution at nucleotide position 374. The serine at codon 125 is replaced by phenylalanine, an amino acid with highly dissimilar properties. This amino acid position is conserved. In addition, the in silico prediction for this alteration is inconclusive. Based on the available evidence, the clinical significance of this variant remains unclear.

Labcorp Genetics (formerly Invitae), Labcorp
Classification: Uncertain significance for Brugada syndrome 8. Last evaluated: 2025-02-18. Review status: criteria provided, single submitter. Criteria: Invitae Variant Classification Sherloc (09022015). Collection method: clinical testing. Allele origin: germline.
Comment: This sequence change replaces serine, which is neutral and polar, with phenylalanine, which is neutral and non-polar, at codon 125 of the HCN4 protein (p.Ser125Phe). This variant is not present in population databases (gnomAD no frequency). This variant has not been reported in the literature in individuals affected with HCN4-related conditions. Invitae Evidence Modeling of protein sequence and biophysical properties (such as structural, functional, and spatial information, amino acid conservation, physicochemical variation, residue mobility, and thermodynamic stability) has been performed for this missense variant. However, the output from this modeling did not meet the statistical confidence thresholds required to predict the impact of this variant on HCN4 protein function. In summary, the available evidence is currently insufficient to determine the role of this variant in disease. Therefore, it has been classified as a Variant of Uncertain Significance.

NM_005477.3(HCN4):c.374C>T (p.Ser125Phe)

Gene: HCN4 (hyperpolarization activated cyclic nucleotide gated potassium channel 4; minus strand). Cytogenetic location: 15q24.1.
Variant type: single nucleotide variant.
Coding change: c.374C>T on transcript NM_005477.3 (MANE Select); coding-DNA position 374, C replaced by T.
Protein change: p.Ser125Phe; replaces serine 125 with phenylalanine.
Molecular consequence: missense variant.
Genome position (GRCh38, 1-based): chr15:73,367,897, G>A on the plus strand (C>T on the coding strand, the complement: HCN4 is on the minus strand). VCF-style: chr15-73367897-G-A. GRCh37 (hg19) VCF-style: chr15-73660238-G-A.
Other names: c.374C>T (NM_005477.2); short protein forms S125F.
Identifiers: ClinVar variation 3666970 (VCV003666970.3).
Genomic context (GRCh38, chr15:73,367,897, plus strand): 5'-GGCGTCCTGTCCTCGCCGGGGGACGCGTCGCCCTCGGCGATGAGCCGCCGCTCCTCCGCG[G>A]AGTCATGCAGGTGTCCGTGACTGCTGCCGCTCCCCGTGCCGCCGCTGCCGCCGCCCCGGC-3'
Protein context (NP_005468.1, residues 115-135): SGSSHGHLHD[Ser125Phe]AEERRLIAEG